The following is an entry in ClinVar:

ClinVar aggregate classification (germline): Likely benign. Review status: criteria provided, multiple submitters, no conflicts (2 of 4 stars). 6 submissions from 6 submitters: Likely benign (6). Last evaluated 2025-09-01.

Conditions:
Cardiovascular phenotype. Identifiers: MedGen CN230736.
Myofibrillar myopathy 4. Also called: Zaspopathy (type). Identifiers: Orphanet 98912, MedGen C4721886, MONDO:0012277, OMIM 609452.

Submissions (6):

CeGaT Center for Human Genetics Tuebingen
Classification: Likely benign. Last evaluated: 2025-09-01. Review status: criteria provided, single submitter. Criteria: CeGaT Center For Human Genetics Tuebingen Variant Classification Criteria Version 2. Collection method: clinical testing. Allele origin: germline. Affected: yes. Observed: 1 variant allele.
Comment: LDB3: PM4, BS2

Labcorp Genetics (formerly Invitae), Labcorp
Classification: Likely benign for Myofibrillar myopathy 4. Last evaluated: 2025-09-01. Review status: criteria provided, single submitter. Criteria: Invitae Variant Classification Sherloc (09022015). Collection method: clinical testing. Allele origin: germline.

Laboratory of Genetics, Children's Clinical University Hospital Latvia
Classification: Likely benign. Last evaluated: 2025-02-16. Review status: criteria provided, single submitter. Criteria: ACMG Guidelines, 2015. Collection method: clinical testing. Allele origin: germline. Affected: yes.

Blueprint Genetics
Classification: Likely benign. Last evaluated: 2024-05-09. Review status: criteria provided, single submitter. Criteria: ACMG Guidelines, 2015. Collection method: clinical testing. Allele origin: germline.

Ambry Genetics
Classification: Likely benign for Cardiovascular phenotype. Last evaluated: 2023-02-10. Review status: criteria provided, single submitter. Criteria: Ambry Variant Classification Scheme 2023. Collection method: clinical testing. Allele origin: germline.

Women's Health and Genetics/Laboratory Corporation of America, LabCorp
Classification: Likely benign. Last evaluated: 2020-11-23. Review status: criteria provided, single submitter. Criteria: LabCorp Variant Classification Summary - May 2015. Collection method: clinical testing. Allele origin: germline.
Comment: Variant summary: LDB3 c.399_407dupAGGCACCCC (p.Gly134_Pro136dup) results in an in-frame duplication that is predicted to duplicate 3 amino acids into the encoded protein. The variant allele was found at a frequency of 0.00015 in 245496 control chromosomes (gnomAD). The observed variant frequency is approximately 6-fold of the estimated maximal expected allele frequency for a pathogenic variant in LDB3 causing Cardiomyopathy phenotype (2.5e-05), strongly suggesting that the variant is benign. To our knowledge, no occurrence of c.399_407dupAGGCACCCC in individuals affected with Cardiomyopathy and no experimental evidence demonstrating its impact on protein function have been reported. No clinical diagnostic laboratories have submitted clinical-significance assessments for this variant to ClinVar after 2014. Based on the evidence outlined above, the variant was classified as likely benign.

NM_007078.3(LDB3):c.390AGGCACCCC[3] (p.131GTP[3])

Gene: LDB3 (LIM domain binding 3; plus strand). Cytogenetic location: 10q23.2.
Variant type: Microsatellite.
Coding change: c.390AGGCACCCC[3] on transcript NM_007078.3 (MANE Select); three copies in a row of the 9-base unit AGGCACCCC starting at c.390; the reference has two copies in a row; one copy, 9 bases duplicated.
Protein change: p.131GTP[3].
Molecular consequence: inframe insertion. On other transcripts: intron variant (5).
Genome position (GRCh38, 1-based): chr10:86,681,513-86,681,521, AGGCACCCC duplicated; duplicating any 9 consecutive bases within chr10:86,681,501-86,681,521 gives the same sequence; the position shown is the placement nearest the transcript's 3' end. VCF-style (leftmost placement, unchanged base first): chr10-86681500-G-GCCCAGGCAC. GRCh37 (hg19) VCF-style: chr10-88441257-G-GCCCAGGCAC.
Other names: c.390AGGCACCCC[3], p.131GTP[3] (NM_001080115.2, NM_001171610.2, NM_001171611.2 and 3 more transcripts); c.321+1344CCCAGGCAC[3] (NM_001368068.1, NM_001368066.1, NM_001080114.2 and 2 more transcripts).
Identifiers: ClinVar variation 987834 (VCV000987834.20), dbSNP rs750334087, ClinGen allele CA5584687.
Genomic context (GRCh38, chr10:86,681,500, plus strand): 5'-CCGCTCTGGACACGAACGGCAGCCTGGTGGCACCCAGCCCCAGCCCTGAGGCGAGGGCCA[G>GCCCAGGCAC]CCCAGGCACCCCAGGCACCCCGGAGCTCAGGCCCACCTTTAGCCCTGCCTTCTCCCGGCC-3'